The following is an entry in ClinVar:

NM_000039.3(APOA1):c.177C>T (p.Gly59=)

Genes: APOA1 (apolipoprotein A1; minus strand), APOA1-AS (APOA1 antisense RNA; plus strand). Cytogenetic location: 11q23.3.
Variant type: single nucleotide variant.
Coding change: c.177C>T on transcript NM_000039.3 (MANE Select); coding-DNA position 177, C replaced by T.
Protein change: p.Gly59=; no amino-acid change (glycine 59 retained).
Molecular consequence: synonymous variant. On other transcripts: 5 prime UTR variant (2), intron variant (1).
Genome position (GRCh38, 1-based): chr11:116,837,024, G>A on the plus strand (C>T on the coding strand, the complement: APOA1 is on the minus strand). VCF-style: chr11-116837024-G-A. GRCh37 (hg19) VCF-style: chr11-116707740-G-A.
Other names: c.177C>T, p.Gly59= (NM_001318017.2, NM_001318018.2, NM_001425090.1 and 1 more transcripts); c.-151C>T (NM_001318021.2, NM_001425092.1); c.-128+321C>T (NM_001425091.1).
Identifiers: ClinVar variation 3902719 (VCV003902719.1).
Genomic context (GRCh38, chr11:116,837,024, plus strand): 5'-CCCTACCCCTGCCCTCAACCCCAGGCTGGGTCCTTACTTTAGCTGTTTTCCCAAGGCGGA[G>A]CCTTCAAACTGGGACACATAGTCTCTGCCGCTGTCTTTGAGCACATCCACGTACACAGTG-3'
Protein context (NP_000030.1, residues 49-69): SGRDYVSQFE[Gly59=]SALGKQLNLK

ClinVar aggregate classification (germline): Uncertain significance (1 of 4 stars; one submission).

Submission:

Women's Health and Genetics/Laboratory Corporation of America, LabCorp
Classification: Uncertain significance. Last evaluated: 2025-05-23. Review status: criteria provided, single submitter. Criteria: LabCorp Variant Classification Summary - May 2015. Collection method: clinical testing. Allele origin: germline.
Comment: Variant summary: APOA1 c.177C>T alters a non-conserved nucleotide resulting in a synonymous change. Several computational tools predict a significant impact on normal splicing: Two predict the variant creates a cryptic 5' donor site. However, these predictions have yet to be confirmed by functional studies. The variant was absent in 251346 control chromosomes. The available data on variant occurrences in the general population are insufficient to allow any conclusion about variant significance. To our knowledge, no occurrence of c.177C>T in individuals affected with Primary Hypoalphalipoproteinemia-2 and no experimental evidence demonstrating its impact on protein function have been reported. No submitters have cited clinical-significance assessments for this variant to ClinVar. Based on the evidence outlined above, the variant was classified as uncertain significance.